The following is an entry in ClinVar:

NM_005912.3(MC4R):c.559T>C (p.Tyr187His)

Gene: MC4R (melanocortin 4 receptor; minus strand). Cytogenetic location: 18q21.32.
Variant type: single nucleotide variant.
Coding change: c.559T>C on transcript NM_005912.3 (MANE Select); coding-DNA position 559, T replaced by C.
Protein change: p.Tyr187His; replaces tyrosine 187 with histidine.
Molecular consequence: missense variant.
Genome position (GRCh38, 1-based): chr18:60,371,791, A>G on the plus strand (T>C on the coding strand, the complement: MC4R is on the minus strand). VCF-style: chr18-60371791-A-G. GRCh37 (hg19) VCF-style: chr18-58039024-A-G.
Other names: short protein forms Y187H.
Identifiers: ClinVar variation 3369030 (VCV003369030.1).

ClinVar aggregate classification (germline): Uncertain significance (1 of 4 stars; one submission).

Submission:

GeneDx
Classification: Uncertain significance. Last evaluated: 2024-02-08. Review status: criteria provided, single submitter. Criteria: GeneDx Variant Classification Process June 2021. Collection method: clinical testing. Allele origin: germline. Affected: yes.
Comment: Not observed at significant frequency in large population cohorts (gnomAD); In silico analysis supports that this missense variant has a deleterious effect on protein structure/function; Has not been previously published as pathogenic or benign to our knowledge